The following is an entry in ClinVar:

NM_000612.6(IGF2):c.257C>A (p.Thr86Asn)

Genes: IGF2 (insulin like growth factor 2; minus strand), INS-IGF2 (INS-IGF2 readthrough; minus strand). Cytogenetic location: 11p15.5.
Variant type: single nucleotide variant.
Coding change: c.257C>A on transcript NM_000612.6 (MANE Select); coding-DNA position 257, C replaced by A.
Protein change: p.Thr86Asn; replaces threonine 86 with asparagine.
Molecular consequence: missense variant. On other transcripts: non-coding transcript variant (1).
Genome position (GRCh38, 1-based): chr11:2,133,566, G>T on the plus strand (C>A on the coding strand, the complement: IGF2 is on the minus strand). VCF-style: chr11-2133566-G-T. GRCh37 (hg19) VCF-style: chr11-2154796-G-T.
Other names: c.257C>A, p.Thr86Asn (NM_001007139.6, NM_001291861.3, NM_001291862.3); c.425C>A, p.Thr142Asn (NM_001127598.3); short protein forms T86N, T142N.
Identifiers: ClinVar variation 1401609 (VCV001401609.7), dbSNP rs748117121, ClinGen allele CA379113523.
Genomic context (GRCh38, chr11:2,133,566, plus strand): 5'-AGGACCCTCACCGGAAGCACGGTCGGAGGGGTCGACACGTCCCTCTCGGACTTGGCGGGG[G>T]TAGCACAGTACGTCTCCAGGAGGGCCAGGTCACAGCTGCGGAAACAGCACTCCTCAACGA-3'
Protein context (NP_000603.1, residues 76-96): DLALLETYCA[Thr86Asn]PAKSERDVST

ClinVar aggregate classification (germline): Uncertain significance. Review status: criteria provided, multiple submitters, no conflicts (2 of 4 stars). 2 submissions from 2 submitters: Uncertain significance (2). Last evaluated 2025-07-22.

gnomAD v4.1: 3 of 1,613,140 alleles (0.00019%); highest among the groups gnomAD compares: Non-Finnish European, 0.00017%; no homozygotes.

Submissions (2):

Women's Health and Genetics/Laboratory Corporation of America, LabCorp
Classification: Uncertain significance. Last evaluated: 2025-07-22. Review status: criteria provided, single submitter. Criteria: LabCorp Variant Classification Summary - May 2015. Collection method: clinical testing. Allele origin: germline.
Comment: Variant summary: IGF2 c.257C>A (p.Thr86Asn) results in a non-conservative amino acid change in the encoded protein sequence. Algorithms developed to predict the effect of missense changes on protein structure and function are either unavailable or do not agree on the potential impact of this missense change. The variant was absent in 246970 control chromosomes. The available data on variant occurrences in the general population are insufficient to allow any conclusion about variant significance. To our knowledge, no occurrence of c.257C>A in individuals affected with Silver-Russell Syndrome 1 and no experimental evidence demonstrating its impact on protein function have been reported. ClinVar contains an entry for this variant (Variation ID: 1401609). Based on the evidence outlined above, the variant was classified as uncertain significance.

Labcorp Genetics (formerly Invitae), Labcorp
Classification: Uncertain significance. Last evaluated: 2023-08-10. Review status: criteria provided, single submitter. Criteria: Invitae Variant Classification Sherloc (09022015). Collection method: clinical testing. Allele origin: germline.
Comment: This sequence change replaces threonine, which is neutral and polar, with asparagine, which is neutral and polar, at codon 86 of the IGF2 protein (p.Thr86Asn). This variant is not present in population databases (gnomAD no frequency). This variant has not been reported in the literature in individuals affected with IGF2-related conditions. ClinVar contains an entry for this variant (Variation ID: 1401609). An algorithm developed to predict the effect of missense changes on protein structure and function (PolyPhen-2) suggests that this variant is likely to be tolerated. In summary, the available evidence is currently insufficient to determine the role of this variant in disease. Therefore, it has been classified as a Variant of Uncertain Significance.